The following is an entry in ClinVar:

ClinVar aggregate classification (germline): Pathogenic (1 of 4 stars; one submission).

Conditions:
Meckel syndrome, type 5 (MKS5). Identifiers: Orphanet 564, MedGen C1969052, MONDO:0012695, OMIM 611561.
COACH syndrome 3. Identifiers: MedGen C5436841, MONDO:0030862, OMIM 619113.
Joubert syndrome 7 (JBTS7). Identifiers: Orphanet 220497, MedGen C1969053, MONDO:0012694, OMIM 611560.

Submission:

Juno Genomics, Hangzhou Juno Genomics, Inc
Classification: Pathogenic for COACH syndrome 3; Joubert syndrome 7; Meckel syndrome, type 5. Review status: criteria provided, single submitter. Criteria: ACMG Guidelines, 2015. Collection method: clinical testing. Allele origin: germline. Affected: yes.
Comment: Absent from controls (or at extremely low frequency if recessive) in Genome Aggregation Database, Exome Sequencing Project, 1000 Genomes Project, or Exome Aggregation Consortium.;Null variant in a gene where loss of function (LOF) is a known mechanism of disease.;For recessive disorders, detected in trans with a pathogenic variant.

NM_015272.5(RPGRIP1L):c.435C>G (p.Tyr145Ter)

Gene: RPGRIP1L (RPGRIP1 like; minus strand). Cytogenetic location: 16q12.2.
Variant type: single nucleotide variant.
Coding change: c.435C>G on transcript NM_015272.5 (MANE Select); coding-DNA position 435, C replaced by G.
Protein change: p.Tyr145Ter; replaces tyrosine 145 with a stop codon.
Molecular consequence: nonsense.
Genome position (GRCh38, 1-based): chr16:53,692,160, G>C on the plus strand (C>G on the coding strand, the complement: RPGRIP1L is on the minus strand). VCF-style: chr16-53692160-G-C. GRCh37 (hg19) VCF-style: chr16-53726072-G-C.
Other names: c.435C>G, p.Tyr145Ter (NM_001127897.4, NM_001308334.3, NM_001330538.2); short protein forms Y145*.
Identifiers: ClinVar variation 4531219 (VCV004531219.1).